The following is an entry in ClinVar:

ClinVar aggregate classification (germline): Likely benign. Review status: criteria provided, multiple submitters, no conflicts (2 of 4 stars). 4 submissions from 4 submitters: Likely benign (4). Last evaluated 2025-03-31.

Conditions:
Familial cancer of breast. Also called: Hereditary breast cancer; BREAST CANCER, FAMILIAL; hereditary breast carcinoma. Identifiers: Orphanet 227535, MedGen C0346153, MONDO:0016419, OMIM 114480. Disease mechanism: loss of function.
Hereditary cancer-predisposing syndrome. Also called: Tumor predisposition; Hereditary neoplastic syndrome; Neoplastic Syndromes, Hereditary; Hereditary Cancer Syndrome. Identifiers: Orphanet 140162, MedGen C0027672, MeSH D009386, MONDO:0015356.
Ataxia-telangiectasia syndrome (AT). Also called: Ataxia-telangiectasia, complementation group D; AT, COMPLEMENTATION GROUP C; ATAXIA-TELANGIECTASIA, COMPLEMENTATION GROUP A; ATAXIA-TELANGIECTASIA, FRESNO VARIANT; Ataxia-telangiectasia; LOUIS-BAR SYNDROME. Identifiers: Orphanet 100, MedGen C0004135, MONDO:0008840, OMIM 208900.

Allele frequency attached by ClinVar (database versions not stated): TOPMed below 0.00001.

Submissions (4):

Labcorp Genetics (formerly Invitae), Labcorp
Classification: Likely benign for Ataxia-telangiectasia syndrome. Last evaluated: 2025-03-31. Review status: criteria provided, single submitter. Criteria: Invitae Variant Classification Sherloc (09022015). Collection method: clinical testing. Allele origin: germline.

Myriad Genetics, Inc.
Classification: Likely benign for Familial cancer of breast. Last evaluated: 2024-06-24. Review status: criteria provided, single submitter. Criteria: Myriad Autosomal Dominant, Autosomal Recessive and X-Linked Classification Criteria (2023). Collection method: clinical testing. Allele origin: unknown.
Comment: This variant is considered likely benign. This variant is intronic and is not expected to impact mRNA splicing.

Ambry Genetics
Classification: Likely benign for Hereditary cancer-predisposing syndrome. Last evaluated: 2020-02-17. Review status: criteria provided, single submitter. Criteria: Ambry Variant Classification Scheme 2023. Collection method: clinical testing. Allele origin: germline.

Color Diagnostics, LLC DBA Color Health
Classification: Likely benign for Hereditary cancer-predisposing syndrome. Last evaluated: 2020-01-23. Review status: criteria provided, single submitter. Criteria: ACMG Guidelines, 2015. Collection method: clinical testing. Allele origin: germline.

NM_000051.4(ATM):c.8988-5C>T

Genes: ATM (ATM serine/threonine kinase; plus strand), C11orf65 (chromosome 11 open reading frame 65; minus strand). Cytogenetic location: 11q22.3.
Variant type: single nucleotide variant.
Coding change: c.8988-5C>T on transcript NM_000051.4 (MANE Select); 5 bases into the intron before coding-DNA position 8988, C replaced by T.
Molecular consequence: intron variant.
Genome position (GRCh38, 1-based): chr11:108,365,320, C>T. VCF-style: chr11-108365320-C-T. GRCh37 (hg19) VCF-style: chr11-108236047-C-T.
Other names: c.8988-5C>T (NM_001351834.2); c.640+20600G>A (NM_001330368.2); c.694+20600G>A (NM_001351110.2).
Identifiers: ClinVar variation 763102 (VCV000763102.16), dbSNP rs1591386387, ClinGen allele CA915947676.